The following is an entry in ClinVar:

ClinVar aggregate classification (germline): Conflicting classifications of pathogenicity. Review status: criteria provided, conflicting classifications (1 of 4 stars). 4 submissions from 4 submitters: Uncertain significance (3); Likely benign (1). Last evaluated 2025-10-22.

Conditions:
Cardiovascular phenotype. Identifiers: MedGen CN230736.
Hereditary cancer-predisposing syndrome. Also called: Hereditary Cancer Syndrome; Tumor predisposition; Neoplastic Syndromes, Hereditary; Hereditary neoplastic syndrome. Identifiers: Orphanet 140162, MedGen C0027672, MeSH D009386, MONDO:0015356.
Neurofibromatosis, type 1 (NF1). Also called: VON RECKLINGHAUSEN DISEASE; Neurofibromatosis, type I; NEUROFIBROMATOSIS, TYPE I, SOMATIC; Peripheral type neurofibromatosis. Identifiers: Orphanet 636, MedGen C0027831, MONDO:0018975, OMIM 162200. Disease mechanism: loss of function.

Submissions (4):

Quest Diagnostics Nichols Institute San Juan Capistrano
Classification: Uncertain significance. Last evaluated: 2025-10-22. Review status: criteria provided, single submitter. Criteria: Quest Diagnostics criteria. Collection method: clinical testing. Allele origin: unknown.

Ambry Genetics
Classification: Uncertain significance for Cardiovascular phenotype; Hereditary cancer-predisposing syndrome. Last evaluated: 2024-11-25. Review status: criteria provided, single submitter. Criteria: Ambry Variant Classification Scheme 2023. Collection method: clinical testing. Allele origin: germline.
Comment: The p.A1837S variant (also known as c.5509G>T), located in coding exon 37 of the NF1 gene, results from a G to T substitution at nucleotide position 5509. The alanine at codon 1837 is replaced by serine, an amino acid with similar properties. This amino acid position is highly conserved in available vertebrate species. In addition, the in silico prediction for this alteration is inconclusive. Based on the available evidence, the clinical significance of this variant remains unclear.

Labcorp Genetics (formerly Invitae), Labcorp
Classification: Likely benign for Neurofibromatosis, type 1. Last evaluated: 2024-08-17. Review status: criteria provided, single submitter. Criteria: Invitae Variant Classification Sherloc (09022015). Collection method: clinical testing. Allele origin: germline.

Genome-Nilou Lab
Classification: Uncertain significance for Neurofibromatosis, type 1. Last evaluated: 2022-03-15. Review status: criteria provided, single submitter. Criteria: ACMG Guidelines, 2015. Collection method: clinical testing. Allele origin: germline. Affected: no.

NM_001042492.3(NF1):c.5572G>T (p.Ala1858Ser)

Gene: NF1 (neurofibromin 1; plus strand). Cytogenetic location: 17q11.2.
Variant type: single nucleotide variant.
Coding change: c.5572G>T on transcript NM_001042492.3 (MANE Select); coding-DNA position 5572, G replaced by T.
Protein change: p.Ala1858Ser; replaces alanine 1858 with serine.
Molecular consequence: missense variant.
Genome position (GRCh38, 1-based): chr17:31,327,802, G>T. VCF-style: chr17-31327802-G-T. GRCh37 (hg19) VCF-style: chr17-29654820-G-T.
Other names: c.5509G>T, p.Ala1837Ser (NM_000267.4); short protein forms A1837S, A1858S.
Identifiers: ClinVar variation 651169 (VCV000651169.16), dbSNP rs786203416, ClinGen allele CA399009977.